The following is an entry in ClinVar:

ClinVar aggregate classification (germline): Pathogenic (1 of 4 stars; one submission).

Conditions:
Ataxia-telangiectasia syndrome (AT). Also called: LOUIS-BAR SYNDROME; Cerebello-oculocutaneous telangiectasia; Immunodeficiency with ataxia telangiectasia; AT, COMPLEMENTATION GROUP C; Ataxia-telangiectasia, complementation group D; ATAXIA-TELANGIECTASIA, COMPLEMENTATION GROUP A. Identifiers: Orphanet 100, MedGen C0004135, MONDO:0008840, OMIM 208900.

Submission:

Labcorp Genetics (formerly Invitae), Labcorp
Classification: Pathogenic for Ataxia-telangiectasia syndrome. Last evaluated: 2024-01-17. Review status: criteria provided, single submitter. Criteria: Invitae Variant Classification Sherloc (09022015). Collection method: clinical testing. Allele origin: unknown.
Comment: This variant is a gross deletion of the genomic region encompassing exon(s) 8 of the ATM gene. This deletion is out-of-frame, and is expected to create a premature termination codon and result in an absent or disrupted protein product. Loss-of-function variants in ATM are known to be pathogenic (PMID: 23807571, 25614872). A similar copy number variant has been observed in individual(s) with ataxia telangiectasia and/or early onset colorectal cancer (PMID: 26896183, 27978560). This variant is also known as c.497del166. For these reasons, this variant has been classified as Pathogenic.

Literature cited by the submitters: PubMed 23807571; PubMed 25614872; PubMed 26896183; PubMed 27978560.

NC_000011.9:g.(?_108117670)_(108118721_?)del

Gene: ATM (ATM serine/threonine kinase; plus strand). Cytogenetic location: 11q22.3.
Variant type: Deletion.
Identifiers: ClinVar variation 3244456 (VCV003244456.1).